The following is an entry in ClinVar:

NM_020693.4(DSCAML1):c.671C>T (p.Ser224Leu)

Gene: DSCAML1 (DS cell adhesion molecule like 1; minus strand). Cytogenetic location: 11q23.3.
Variant type: single nucleotide variant.
Coding change: c.671C>T on transcript NM_020693.4 (MANE Select); coding-DNA position 671, C replaced by T.
Protein change: p.Ser224Leu; replaces serine 224 with leucine.
Molecular consequence: missense variant.
Genome position (GRCh38, 1-based): chr11:117,525,071, G>A on the plus strand (C>T on the coding strand, the complement: DSCAML1 is on the minus strand). VCF-style: chr11-117525071-G-A. GRCh37 (hg19) VCF-style: chr11-117395786-G-A.
Other names: c.671C>T, p.Ser224Leu (NM_001367904.1); c.263C>T, p.Ser88Leu (NM_001367905.1); short protein forms S88L, S224L.
Identifiers: ClinVar variation 2040403 (VCV002040403.4), dbSNP rs748323151, ClinGen allele CA6297474.

ClinVar aggregate classification (germline): Uncertain significance (1 of 4 stars; one submission).

Allele frequency attached by ClinVar (database versions not stated): TOPMed below 0.00001; gnomAD 0.00001; gnomAD exomes 0.00001; ExAC 0.00003.
gnomAD v4.1: 11 of 1,561,820 alleles (0.0007%); highest among the groups gnomAD compares: East Asian, 0.0024%; no homozygotes.

Submission:

Labcorp Genetics (formerly Invitae), Labcorp
Classification: Uncertain significance. Last evaluated: 2021-12-12. Review status: criteria provided, single submitter. Criteria: Invitae Variant Classification Sherloc (09022015). Collection method: clinical testing. Allele origin: germline.
Comment: This sequence change replaces serine, which is neutral and polar, with leucine, which is neutral and non-polar, at codon 284 of the DSCAML1 protein (p.Ser284Leu). This variant is present in population databases (rs748323151, gnomAD 0.009%). This variant has not been reported in the literature in individuals affected with DSCAML1-related conditions. Algorithms developed to predict the effect of missense changes on protein structure and function are either unavailable or do not agree on the potential impact of this missense change (SIFT: "Deleterious"; PolyPhen-2: "Probably Damaging"; Align-GVGD: "Class C0"). In summary, the available evidence is currently insufficient to determine the role of this variant in disease. Therefore, it has been classified as a Variant of Uncertain Significance.